The following is an entry in ClinVar:

ClinVar aggregate classification (germline): Benign. Review status: criteria provided, multiple submitters, no conflicts (2 of 4 stars). 2 submissions from 2 submitters: Benign (2). Last evaluated 2026-02-04.

Allele frequency attached by ClinVar (database versions not stated): 1000 Genomes Project 30x 0.18067; TOPMed 0.22130; gnomAD 0.22142 and 0.22234; ExAC 0.26410; gnomAD exomes 0.27434 and 0.28099; 1000 Genomes Project 0.18171; ESP Exome Variant Server 0.20467.
gnomAD v4.1: 442,324 of 1,611,972 alleles (27%); highest among the groups gnomAD compares: Admixed American, 42%; 64,790 homozygotes.

Submissions (2):

Labcorp Genetics (formerly Invitae), Labcorp
Classification: Benign. Last evaluated: 2026-02-04. Review status: criteria provided, single submitter. Criteria: Invitae Variant Classification Sherloc (09022015). Collection method: clinical testing. Allele origin: germline.

GeneDx
Classification: Benign. Last evaluated: 2013-11-25. Review status: criteria provided, single submitter. Criteria: GeneDx Variant Classification (06012015). Collection method: clinical testing. Allele origin: germline. Affected: yes.
Comment: This variant is considered likely benign or benign based on one or more of the following criteria: it is a conservative change, it occurs at a poorly conserved position in the protein, it is predicted to be benign by multiple in silico algorithms, and/or has population frequency not consistent with disease.

NM_020117.11(LARS1):c.1747C>T (p.Leu583=)

Gene: LARS1 (leucyl-tRNA synthetase 1; minus strand). Cytogenetic location: 5q32.
Variant type: single nucleotide variant.
Coding change: c.1747C>T on transcript NM_020117.11 (MANE Select); coding-DNA position 1747, C replaced by T.
Protein change: p.Leu583=; no amino-acid change (leucine 583 retained).
Molecular consequence: synonymous variant.
Genome position (GRCh38, 1-based): chr5:146,143,542, G>A on the plus strand (C>T on the coding strand, the complement: LARS1 is on the minus strand). VCF-style: chr5-146143542-G-A. GRCh37 (hg19) VCF-style: chr5-145523105-G-A.
Other names: p.L583L:CTG>TTG; c.1609C>T, p.Leu537= (NM_001317964.2); c.1585C>T, p.Leu529= (NM_001317965.2); c.1666C>T, p.Leu556= (NM_016460.4).
Identifiers: ClinVar variation 138085 (VCV000138085.9), dbSNP rs11540217, ClinGen allele CA291882.